The following is an entry in ClinVar:

NM_032271.3(TRAF7):c.1673C>T (p.Ser558Phe)

Gene: TRAF7 (TNF receptor associated factor 7; plus strand). Cytogenetic location: 16p13.3.
Variant type: single nucleotide variant.
Coding change: c.1673C>T on transcript NM_032271.3 (MANE Select); coding-DNA position 1673, C replaced by T.
Protein change: p.Ser558Phe; replaces serine 558 with phenylalanine.
Molecular consequence: missense variant.
Genome position (GRCh38, 1-based): chr16:2,175,880, C>T. VCF-style: chr16-2175880-C-T. GRCh37 (hg19) VCF-style: chr16-2225881-C-T.
Other names: short protein forms S558F.
Identifiers: ClinVar variation 1203798 (VCV001203798.5), dbSNP rs2141297268, ClinGen allele CA394334256.

ClinVar aggregate classification (germline): Pathogenic. Review status: criteria provided, multiple submitters, no conflicts (2 of 4 stars). 3 submissions from 3 submitters: Pathogenic (3). Last evaluated 2020-02-06.

Conditions:
Cardiac, facial, and digital anomalies with developmental delay. Identifiers: Orphanet 592570, MedGen C4748484, MONDO:0032572, OMIM 618164.

Submissions (3):

GeneDx
Classification: Pathogenic. Last evaluated: 2020-02-06. Review status: criteria provided, single submitter. Criteria: GeneDx Variant Classification Process June 2021. Collection method: clinical testing. Allele origin: germline. Affected: yes.
Comment: Not observed in large population cohorts (Lek et al., 2016); In silico analysis supports that this missense variant has a deleterious effect on protein structure/function; This variant is associated with the following publications: (PMID: 32376980)

Clinical Genetics Service, Universitary Hospital 12 de Octubre
Classification: Pathogenic for Cardiac, facial, and digital anomalies with developmental delay. Review status: criteria provided, single submitter. Criteria: ACMG Guidelines, 2015. Collection method: clinical testing. Allele origin: de novo. Affected: yes.

Rady Children's Institute for Genomic Medicine, Rady Children's Hospital San Diego
Classification: Pathogenic for CARDIAC, FACIAL, AND DIGITAL ANOMALIES WITH DEVELOPMENTAL DELAY. Review status: criteria provided, single submitter. Criteria: ACMG Guidelines, 2015. Collection method: clinical testing. Allele origin: germline. Affected: yes.
Comment: This variant has been previously reported as a de novo change in two unrelated patients with Cardiac, facial, and digital anomalies with developmental delay (CAFDADD) (MIM: #618164; PMID: 32376980). A different amino acid substitution at the same codon (p.Ser558Tyr) has also been reported as a de novo change in a patient with CAFDADD (PMID: 32376980). It is absent from the gnomAD population database and thus is presumed to be rare. The c.1673C>T (p.Ser558Phe) variant affects a highly conserved amino acid and is predicted by multiple in silico tools to have a deleterious effect on protein function. Analysis of the parental samples showed the mother is negative and the father is negative for this variant, indicating the variant likely occurred as a de novo event. Based on the available evidence, the c.1673C>T (p.Ser558Phe) variant is classified as Pathogenic.